The following is an entry in ClinVar:

ClinVar aggregate classification (germline): Benign/Likely benign. Review status: criteria provided, multiple submitters, no conflicts (2 of 4 stars). 5 submissions from 5 submitters: Benign (3); Likely benign (2). Last evaluated 2026-01-28.

Conditions:
Inborn genetic diseases. Identifiers: MedGen C0950123, MeSH D030342.

Allele frequency attached by ClinVar (database versions not stated): gnomAD 0.00001 and 0.00041; TOPMed 0.00007; ESP Exome Variant Server 0.00008; gnomAD exomes 0.00077; 1000 Genomes Project 30x 0.00203; 1000 Genomes Project 0.00240.

Submissions (5):

Labcorp Genetics (formerly Invitae), Labcorp
Classification: Benign. Last evaluated: 2026-01-28. Review status: criteria provided, single submitter. Criteria: Invitae Variant Classification Sherloc (09022015). Collection method: clinical testing. Allele origin: germline.

CeGaT Center for Human Genetics Tuebingen
Classification: Benign. Last evaluated: 2025-07-01. Review status: criteria provided, single submitter. Criteria: CeGaT Center For Human Genetics Tuebingen Variant Classification Criteria Version 2. Collection method: clinical testing. Allele origin: germline. Affected: yes. Observed: 2 variant alleles.
Comment: RAI1: BP4, BP7, BS1, BS2

GeneDx
Classification: Benign. Last evaluated: 2018-10-22. Review status: criteria provided, single submitter. Criteria: GeneDx Variant Classification Process June 2021. Collection method: clinical testing. Allele origin: germline. Affected: yes.

Ambry Genetics
Classification: Likely benign for Inborn genetic diseases. Last evaluated: 2016-05-31. Review status: criteria provided, single submitter. Criteria: Ambry Variant Classification Scheme 2023. Collection method: clinical testing. Allele origin: germline.

Breakthrough Genomics
Classification: Likely benign. Review status: criteria provided, single submitter. Criteria: ACMG Guidelines, 2015. Collection method: not provided. Allele origin: germline. Inheritance: Autosomal dominant inheritance. Affected: yes.

NM_030665.4(RAI1):c.4716G>A (p.Glu1572=)

Gene: RAI1 (retinoic acid induced 1; plus strand). Cytogenetic location: 17p11.2.
Variant type: single nucleotide variant.
Coding change: c.4716G>A on transcript NM_030665.4 (MANE Select); coding-DNA position 4716, G replaced by A.
Protein change: p.Glu1572=; no amino-acid change (glutamic acid 1572 retained).
Molecular consequence: synonymous variant.
Genome position (GRCh38, 1-based): chr17:17,797,664, G>A. VCF-style: chr17-17797664-G-A. GRCh37 (hg19) VCF-style: chr17-17700978-G-A.
Identifiers: ClinVar variation 587901 (VCV000587901.35), dbSNP rs146964703, ClinGen allele CA8419013.
Genomic context (GRCh38, chr17:17,797,664, plus strand): 5'-CTGTAAGGGGCGTGCCAAGCGACGACGACAGCAGCAGGTGCTGCCCCTGGATCCCGCAGA[G>A]CCTGAAATCCGCCTCAAGTACATTTCCTCTTGCAAGCGGCTGAGGTCAGACAGCCGGACC-3'
Protein context (NP_109590.3, residues 1562-1582): QQQVLPLDPA[Glu1572=]PEIRLKYISS